The following is an entry in ClinVar:

ClinVar aggregate classification (germline): Uncertain significance (1 of 4 stars; one submission).

Conditions:
Diets-Jongmans syndrome. Also called: INTELLECTUAL DEVELOPMENTAL DISORDER WITH DISTINCTIVE FACIAL DYSMORPHISM. Identifiers: MedGen C5394263, MONDO:0030012, OMIM 618846.

gnomAD v4.1: 2 of 1,378,350 alleles (0.00015%); highest among the groups gnomAD compares: Non-Finnish European, 0.000094%; no homozygotes.

Submission:

Dasa
Classification: Uncertain significance for Diets-Jongmans syndrome. Last evaluated: 2025-06-18. Review status: criteria provided, single submitter. Criteria: DASA Assertion Criteria. Collection method: clinical testing. Allele origin: germline.
Comment: NM_016604.4(KDM3B):c.83C>T (p.Ala28Val) is a missense variant that results in the substitution of alanine with valine. This variant is rare in population databases. Computational prediction algorithms are consistent with a benign effect. The currently available literature and clinical evidence are not sufficient to establish a definitive association between this variant and the reported condition. Therefore, this variant is classified as a variant of uncertain significance.

NM_016604.4(KDM3B):c.83C>T (p.Ala28Val)

Genes: KDM3B (lysine demethylase 3B; plus strand), LOC129994737 (ATAC-STARR-seq lymphoblastoid silent region 16394; plus strand). Cytogenetic location: 5q31.2.
Variant type: single nucleotide variant.
Coding change: c.83C>T on transcript NM_016604.4 (MANE Select); coding-DNA position 83, C replaced by T.
Protein change: p.Ala28Val; replaces alanine 28 with valine.
Molecular consequence: missense variant.
Genome position (GRCh38, 1-based): chr5:138,352,878, C>T. VCF-style: chr5-138352878-C-T. GRCh37 (hg19) VCF-style: chr5-137688567-C-T.
Other names: short protein forms A28V.
Identifiers: ClinVar variation 4881096 (VCV004881096.2).